The following is an entry in ClinVar:

ClinVar aggregate classification (germline): Uncertain significance (1 of 4 stars; one submission).

gnomAD v4.1: 36 of 152,148 alleles (0.024%); highest among the groups gnomAD compares: African/African-American, 0.085%; no homozygotes.

Submission:

Dasa
Classification: Uncertain significance. Last evaluated: 2025-11-26. Review status: criteria provided, single submitter. Criteria: DASA Assertion Criteria. Collection method: clinical testing. Allele origin: germline.
Comment: NM_001303.4(COX10):c.928+244G>T is an intronic variant. This variant is rare in population databases. The currently available literature and clinical evidence are not sufficient to establish a definitive association between this variant and the reported condition. Therefore, this variant is classified as a variant of uncertain significance.

NM_001303.4(COX10):c.928+244G>T

Genes: COX10 (cytochrome c oxidase assembly factor heme A:farnesyltransferase COX10; plus strand), LOC105943586 (distal CMT1A-REP; plus strand). Cytogenetic location: 17p12.
Variant type: single nucleotide variant.
Coding change: c.928+244G>T on transcript NM_001303.4 (MANE Select); 244 bases into the intron after coding-DNA position 928, G replaced by T.
Molecular consequence: intron variant.
Genome position (GRCh38, 1-based): chr17:14,192,465, G>T. VCF-style: chr17-14192465-G-T. GRCh37 (hg19) VCF-style: chr17-14095782-G-T.
Identifiers: ClinVar variation 4886031 (VCV004886031.2).